The following is an entry in ClinVar:

ClinVar aggregate classification (germline): Uncertain significance. Review status: criteria provided, multiple submitters, no conflicts (2 of 4 stars). 2 submissions from 2 submitters: Uncertain significance (2). Last evaluated 2025-10-22.

gnomAD v4.1: 1 of 1,613,216 alleles (0.000062%); no homozygotes.

Submissions (2):

Labcorp Genetics (formerly Invitae), Labcorp
Classification: Uncertain significance. Last evaluated: 2025-10-22. Review status: criteria provided, single submitter. Criteria: Invitae Variant Classification Sherloc (09022015). Collection method: clinical testing. Allele origin: germline.
Comment: This sequence change replaces alanine, which is neutral and non-polar, with serine, which is neutral and polar, at codon 188 of the RINT1 protein (p.Ala188Ser). This variant is not present in population databases (gnomAD no frequency). This variant has not been reported in the literature in individuals affected with RINT1-related conditions. ClinVar contains an entry for this variant (Variation ID: 3314453). An algorithm developed to predict the effect of missense changes on protein structure and function (PolyPhen-2) suggests that this variant is likely to be tolerated. In summary, the available evidence is currently insufficient to determine the role of this variant in disease. Therefore, it has been classified as a Variant of Uncertain Significance.

Ambry Genetics
Classification: Uncertain significance. Last evaluated: 2024-04-17. Review status: criteria provided, single submitter. Criteria: Ambry Variant Classification Scheme 2023. Collection method: clinical testing. Allele origin: germline.
Comment: The p.A188S variant (also known as c.562G>T), located in coding exon 5 of the RINT1 gene, results from a G to T substitution at nucleotide position 562. The alanine at codon 188 is replaced by serine, an amino acid with similar properties. This amino acid position is conserved. In addition, this alteration is predicted to be tolerated by in silico analysis. Based on the available evidence, the clinical significance of this variant remains unclear.

NM_021930.6(RINT1):c.562G>T (p.Ala188Ser)

Gene: RINT1 (RAD50 interactor 1; plus strand). Cytogenetic location: 7q22.3.
Variant type: single nucleotide variant.
Coding change: c.562G>T on transcript NM_021930.6 (MANE Select); coding-DNA position 562, G replaced by T.
Protein change: p.Ala188Ser; replaces alanine 188 with serine.
Molecular consequence: missense variant. On other transcripts: 5 prime UTR variant (2), non-coding transcript variant (1), intron variant (1).
Genome position (GRCh38, 1-based): chr7:105,546,956, G>T. VCF-style: chr7-105546956-G-T. GRCh37 (hg19) VCF-style: chr7-105187403-G-T.
Other names: c.328G>T, p.Ala110Ser (NM_001346599.2); c.-458G>T (NM_001346600.2); c.-361G>T (NM_001346601.2); c.-27-3099G>T (NM_001346603.2); short protein forms A110S, A188S.
Identifiers: ClinVar variation 3314453 (VCV003314453.3).